The following is an entry in ClinVar:

ClinVar aggregate classification (germline): Uncertain significance (1 of 4 stars; one submission).

Conditions:
Aicardi-Goutieres syndrome 1. Also called: CREE ENCEPHALITIS; ENCEPHALOPATHY, FAMILIAL INFANTILE, WITH INTRACRANIAL CALCIFICATION AND CHRONIC CEREBROSPINAL FLUID LYMPHOCYTOSIS; PSEUDOTOXOPLASMOSIS SYNDROME. Identifiers: Orphanet 51, MedGen C0796126, MONDO:0009165, OMIM 225750.

gnomAD v4.1: 2 of 770,232 alleles (0.00026%); highest among the groups gnomAD compares: Non-Finnish European, 0.00044%; no homozygotes.

Submission:

Victorian Clinical Genetics Services, Murdoch Childrens Research Institute
Classification: Uncertain significance for Aicardi-Goutieres syndrome 1. Last evaluated: 2023-07-17. Review status: criteria provided, single submitter. Criteria: ACMG Guidelines, 2015. Collection method: clinical testing. Allele origin: germline. Affected: yes.
Comment: Based on the classification scheme VCGS_Germline_v1.3.4, this variant is classified as VUS-3A. Following criteria are met: 0103 - Dominant negative and loss of function are known mechanisms of disease in this gene and are associated with TREX1-related conditions. Loss of function is generally associated with recessive disease while dominant negative variants are associated with dominant disease (OMIM, PMID: 21937424). However, loss of function is the mechanism of disease associated with heterozygous C-terminal frameshift variants identified in individuals with Retinal Vasculopathy with Cerebral Leukodystrophy (OMIM). (I) 0108 - This gene is known to be associated with both recessive and dominant disease. Aicardi-Goutieres syndrome is predominantly a recessive condition; however, there have been rare cases of a dominant form of the disease reported (OMIM). (I) 0218 - Non-coding variant without known or predicted effect. (I) 0252 - This variant is homozygous. (I) 0301 - Variant is absent from gnomAD (both v2 and v3). (SP) 0508 - In silico predictions for abnormal splicing are conflicting. (I) 0604 - Variant is not located in an established domain, motif, hotspot or informative constraint region. (I) 0705 - No comparable non-coding variants have previous evidence for pathogenicity. (I) 0807 - This variant has no previous evidence of pathogenicity in the literature. However, this variant was found to be biallelic in a research setting, in another individual with a typical Aicardi-Goutières syndrome phenotype (Professor Yanick Crow, personal communication). (SP) 0905 - No published segregation evidence has been identified for this variant. (I) 1007 - No published functional evidence has been identified for this variant. (I) 1101 - Very strong and specific phenotype match for this individual. (I) Legend: (SP) - Supporting pathogenic, (I) - Information, (SB) - Supporting benign

Literature cited by the submitters: PubMed 21937424.

NM_033629.6(TREX1):c.-27+4A>G

Genes: ATRIP (ATR interacting protein; plus strand), ATRIP-TREX1 (ATRIP-TREX1 readthrough; plus strand), TREX1 (three prime repair exonuclease 1; plus strand). Cytogenetic location: 3p21.31.
Variant type: single nucleotide variant.
Coding change: c.-27+4A>G on transcript NM_033629.6 (MANE Select); 4 bases into the intron after 27 bases upstream of the start codon, A replaced by G.
Molecular consequence: intron variant. On other transcripts: 3 prime UTR variant (4).
Genome position (GRCh38, 1-based): chr3:48,466,313, A>G. VCF-style: chr3-48466313-A-G. GRCh37 (hg19) VCF-style: chr3-48507712-A-G.
Other names: c.*759A>G (NM_001271022.2, NM_001271023.2, NM_032166.4 and 1 more transcripts); c.-19+144A>G (NM_007248.5).
Identifiers: ClinVar variation 3376803 (VCV003376803.1).
Genomic context (GRCh38, chr3:48,466,313, plus strand): 5'-AGAGCCGCGGGAGAGTGTGCAGCCGAGTCACTACTGCCTGCCTGCCTGCCTGCTACGGTG[A>G]GTGTGGCCCCCACAATGGGATGGCGCAGGGCAGGAGGGCCATGGGTTCCCCCACCCCAGA-3'